The following is an entry in ClinVar:

ClinVar aggregate classification (germline): Conflicting classifications of pathogenicity. Review status: criteria provided, conflicting classifications (1 of 4 stars). 3 submissions from 3 submitters: Pathogenic (1); Uncertain significance (2). Last evaluated 2025-06-10.

Conditions:
RYR1-related disorder. Also called: RYR1-related disorders; RYR1-related condition. Identifiers: MedGen CN239331.
Malignant hyperthermia, susceptibility to, 1 (MHS1). Also called: Anesthesia related hyperthermia; Malignant hyperpyrexia; Fulminating hyperpyrexia; Pharmacogenic myopathy; RYR1-Related Malignant Hyperthermia Susceptibility; Malignant hyperthermia suceptibility 1. Identifiers: Orphanet 423, MedGen C2930980, MONDO:0007783, OMIM 145600.

Submissions (3):

Color Diagnostics, LLC DBA Color Health
Classification: Uncertain significance for Malignant hyperthermia, susceptibility to, 1. Last evaluated: 2025-06-10. Review status: criteria provided, single submitter. Criteria: ACMG Guidelines, 2015. Collection method: clinical testing. Allele origin: germline.
Comment: This variant inserts 4 nucleotides in exon 31 of the RYR1 gene, creating a frameshift and premature translation stop signal. This variant is expected to result in an absent or non-functional protein product. To our knowledge, this variant has not been reported in individuals affected with RYR1-related autosomal dominant malignant hyperthermia susceptibility in the literature. This variant has not been identified in the general population by the Genome Aggregation Database (gnomAD). Loss of RYR1 function due to haploinsufficiency is associated with congenital myopathy, but it is not an established disease mechanism for autosomal dominant malignant hyperthermia susceptibility. The available evidence is insufficient to determine the role of this variant in malignant hyperthermia susceptibility conclusively. Therefore, this variant is classified as a Variant of Uncertain Significance.

All of Us Research Program, National Institutes of Health
Classification: Uncertain significance for Malignant hyperthermia, susceptibility to, 1. Last evaluated: 2024-07-23. Review status: criteria provided, single submitter. Criteria: ACMG Guidelines, 2015. Collection method: clinical testing. Allele origin: germline. Inheritance: Autosomal dominant inheritance. Observed: 1 variant allele, 1 heterozygote.
Comment: This study involves interpretation of variants in research participants for the purpose of population health screening. Participant phenotype was not available at the time of variant classification. Additional details can be found in publication PMID: 35346344, PMCID: PMC8962531

Labcorp Genetics (formerly Invitae), Labcorp
Classification: Pathogenic for RYR1-related disorder. Last evaluated: 2024-07-23. Review status: criteria provided, single submitter. Criteria: Invitae Variant Classification Sherloc (09022015). Collection method: clinical testing. Allele origin: germline.
Comment: This sequence change creates a premature translational stop signal (p.Val1514Alafs*34) in the RYR1 gene. It is expected to result in an absent or disrupted protein product. Loss-of-function variants in RYR1 are known to be pathogenic (PMID: 23919265, 25960145, 28818389, 30611313). This variant is not present in population databases (gnomAD no frequency). This variant has not been reported in the literature in individuals affected with RYR1-related conditions. For these reasons, this variant has been classified as Pathogenic.

Literature cited by the submitters: PubMed 23919265 (cited by Labcorp Genetics (formerly Invitae), Labcorp); PubMed 25960145 (cited by Labcorp Genetics (formerly Invitae), Labcorp); PubMed 28818389 (cited by Labcorp Genetics (formerly Invitae), Labcorp); PubMed 30611313 (cited by Labcorp Genetics (formerly Invitae), Labcorp).

NM_000540.3(RYR1):c.4537_4540dup (p.Val1514fs)

Gene: RYR1 (ryanodine receptor 1; plus strand). Cytogenetic location: 19q13.2.
Variant type: Duplication.
Coding change: c.4537_4540dup on transcript NM_000540.3 (MANE Select); coding-DNA positions 4537 to 4540, 4 bases duplicated (CTTG; older notation c.4537_4540dupCTTG).
Protein change: p.Val1514fs; shifts the reading frame from valine 1514.
Molecular consequence: frameshift variant.
Genome position (GRCh38, 1-based): chr19:38,478,517-38,478,520, CTTG duplicated. VCF-style (leftmost placement, unchanged base first): chr19-38478516-C-CCTTG. GRCh37 (hg19) VCF-style: chr19-38969156-C-CCTTG.
Other names: c.4537_4540dup, p.Val1514fs (NM_001042723.2); short protein forms V1514fs.
Identifiers: ClinVar variation 3387714 (VCV003387714.4).
Genomic context (GRCh38, chr19:38,478,516, plus strand): 5'-CATGGTGTGGGGCGGAGACTTTGTGAGTCCCGGGCAGCAGGGCCGGATCAGCCACACGGA[C>CCTTG]CTTGTCATTGGGTGCCTGGTGGACTTGGCCACTGGCTTAATGACCTTTACAGCCAATGGC-3'